The following is an entry in ClinVar:

ClinVar aggregate classification (germline): Uncertain significance. Review status: criteria provided, multiple submitters, no conflicts (2 of 4 stars). 2 submissions from 2 submitters: Uncertain significance (2). Last evaluated 2025-06-11.

Conditions:
Charcot-Marie-Tooth disease axonal type 2Z. Also called: CHARCOT-MARIE-TOOTH DISEASE, AXONAL, AUTOSOMAL DOMINANT, TYPE 2Z; CHARCOT-MARIE-TOOTH NEUROPATHY, TYPE 2Z. Identifiers: Orphanet 466768, MedGen C5569025, MONDO:0014736, OMIM 616688.

gnomAD v4.1: 1 of 1,612,030 alleles (0.000062%); highest among the groups gnomAD compares: Non-Finnish European, 0.000085%; no homozygotes.

Submissions (2):

GeneDx
Classification: Uncertain significance. Last evaluated: 2025-06-11. Review status: criteria provided, single submitter. Criteria: GeneDx Variant Classification Process June 2021. Collection method: clinical testing. Allele origin: germline. Affected: yes.
Comment: Not observed at significant frequency in large population cohorts (gnomAD); In silico analysis suggests that this missense variant does not alter protein structure/function; Has not been previously published as pathogenic or benign to our knowledge

Labcorp Genetics (formerly Invitae), Labcorp
Classification: Uncertain significance for Charcot-Marie-Tooth disease axonal type 2Z. Last evaluated: 2020-06-17. Review status: criteria provided, single submitter. Criteria: Invitae Variant Classification Sherloc (09022015). Collection method: clinical testing. Allele origin: germline.
Comment: In summary, the available evidence is currently insufficient to determine the role of this variant in disease. Therefore, it has been classified as a Variant of Uncertain Significance. Algorithms developed to predict the effect of missense changes on protein structure and function are either unavailable or do not agree on the potential impact of this missense change (SIFT: "Not Available"; PolyPhen-2: "Probably Damaging"; Align-GVGD: "Not Available"). This variant has not been reported in the literature in individuals with MORC2-related conditions. This variant is not present in population databases (ExAC no frequency). This sequence change replaces lysine with glutamic acid at codon 234 of the MORC2 protein (p.Lys234Glu). The lysine residue is highly conserved and there is a small physicochemical difference between lysine and glutamic acid.

NM_001303256.3(MORC2):c.700A>G (p.Lys234Glu)

Gene: MORC2 (MORC family CW-type zinc finger 2; minus strand). Cytogenetic location: 22q12.2.
Variant type: single nucleotide variant.
Coding change: c.700A>G on transcript NM_001303256.3 (MANE Select); coding-DNA position 700, A replaced by G.
Protein change: p.Lys234Glu; replaces lysine 234 with glutamic acid.
Molecular consequence: missense variant.
Genome position (GRCh38, 1-based): chr22:30,941,557, T>C on the plus strand (A>G on the coding strand, the complement: MORC2 is on the minus strand). VCF-style: chr22-30941557-T-C. GRCh37 (hg19) VCF-style: chr22-31337544-T-C.
Other names: c.700A>G (NM_001303256.2); c.700A>G, p.Lys234Glu (NM_001303257.2); c.514A>G, p.Lys172Glu (NM_014941.3); short protein forms K172E, K234E.
Identifiers: ClinVar variation 1001986 (VCV001001986.8), dbSNP rs199928683, ClinGen allele CA323278164.